The following is an entry in ClinVar:

ClinVar aggregate classification (germline): Likely benign (1 of 4 stars; one submission).

Allele frequency attached by ClinVar (database versions not stated): TOPMed 0.00007; ExAC 0.00013; gnomAD 0.00015.
gnomAD v4.1: 176 of 1,613,656 alleles (0.011%); highest among the groups gnomAD compares: Non-Finnish European, 0.012%; no homozygotes.

Submission:

CeGaT Center for Human Genetics Tuebingen
Classification: Likely benign. Last evaluated: 2023-12-01. Review status: criteria provided, single submitter. Criteria: CeGaT Center For Human Genetics Tuebingen Variant Classification Criteria Version 2. Collection method: clinical testing. Allele origin: germline. Affected: yes. Observed: 1 variant allele.
Comment: TRPA1: BP4, BS2

NM_007332.3(TRPA1):c.1694C>T (p.Ala565Val)

Genes: MSC-AS1 (MSC antisense RNA 1; plus strand), TRPA1 (transient receptor potential cation channel subfamily A member 1; minus strand). Cytogenetic location: 8q21.11.
Variant type: single nucleotide variant.
Coding change: c.1694C>T on transcript NM_007332.3 (MANE Select); coding-DNA position 1694, C replaced by T.
Protein change: p.Ala565Val; replaces alanine 565 with valine.
Molecular consequence: missense variant. On other transcripts: non-coding transcript variant (2).
Genome position (GRCh38, 1-based): chr8:72,052,716, G>A on the plus strand (C>T on the coding strand, the complement: TRPA1 is on the minus strand). VCF-style: chr8-72052716-G-A. GRCh37 (hg19) VCF-style: chr8-72964951-G-A.
Other names: short protein forms A565V.
Identifiers: ClinVar variation 2673152 (VCV002673152.23), dbSNP rs201102897, ClinGen allele CA4780812.